The following is an entry in ClinVar:

NM_001375524.1(TRRAP):c.4900G>C (p.Gly1634Arg)

Gene: TRRAP (transformation/transcription domain associated protein; plus strand). Cytogenetic location: 7q22.1.
Variant type: single nucleotide variant.
Coding change: c.4900G>C on transcript NM_001375524.1 (MANE Select); coding-DNA position 4900, G replaced by C.
Protein change: p.Gly1634Arg; replaces glycine 1634 with arginine.
Molecular consequence: missense variant.
Genome position (GRCh38, 1-based): chr7:98,949,528, G>C. VCF-style: chr7-98949528-G-C. GRCh37 (hg19) VCF-style: chr7-98547151-G-C.
Other names: c.4879G>C, p.Gly1627Arg (NM_001244580.2); c.4825G>C, p.Gly1609Arg (NM_003496.4); c.4825G>C (NM_003496.3); short protein forms G1609R, G1627R, G1634R.
Identifiers: ClinVar variation 2503999 (VCV002503999.1), dbSNP rs782510081, ClinGen allele CA368313078.

ClinVar aggregate classification (germline): Uncertain significance (1 of 4 stars; one submission).

Submission:

Women's Health and Genetics/Laboratory Corporation of America, LabCorp
Classification: Uncertain significance. Last evaluated: 2023-04-18. Review status: criteria provided, single submitter. Criteria: LabCorp Variant Classification Summary - May 2015. Collection method: clinical testing. Allele origin: germline.
Comment: Variant summary: TRRAP c.4825G>C (p.Gly1609Arg) results in a non-conservative amino acid change in the encoded protein sequence. Three of five in-silico tools predict a damaging effect of the variant on protein function. The variant was absent in 239640 control chromosomes (gnomAD). The available data on variant occurrences in the general population are insufficient to allow any conclusion about variant significance. To our knowledge, no occurrence of c.4825G>C in individuals affected with Developmental Delay With Or Without Dysmorphic Facies And Autism and no experimental evidence demonstrating its impact on protein function have been reported. No clinical diagnostic laboratories have submitted clinical-significance assessments for this variant to ClinVar after 2014. Based on the evidence outlined above, the variant was classified as uncertain significance.